The following is an entry in ClinVar:

ClinVar aggregate classification (germline): Conflicting classifications of pathogenicity. Review status: criteria provided, conflicting classifications (1 of 4 stars). 14 submissions from 10 submitters: Uncertain significance (6); Likely benign (7). 1 of the submissions does not count toward it. Last evaluated 2026-01-31.

Conditions:
TTN-related disorder. Also called: TTN-related disorders; TTN-related condition; TTN-related disease.
Cardiovascular phenotype. Identifiers: MedGen CN230736.
Dilated cardiomyopathy 1G (CMD1G). Identifiers: Orphanet 154, MedGen C1858763, MONDO:0011400, OMIM 604145.
Autosomal recessive limb-girdle muscular dystrophy type 2J (LGMDR10). Also called: Limb-girdle muscular dystrophy, type 2J; MUSCULAR DYSTROPHY, LIMB-GIRDLE, AUTOSOMAL RECESSIVE 10. Identifiers: Orphanet 140922, MedGen C1837342, MONDO:0012127, OMIM 608807.
Myopathy, myofibrillar, 9, with early respiratory failure (MFM9). Also called: Hereditary myopathy with early respiratory failure; MYOPATHY, PROXIMAL, WITH EARLY RESPIRATORY MUSCLE INVOLVEMENT; EDSTROM MYOPATHY; Myopathy, distal, with early respiratory failure, autosomal dominant. Identifiers: Orphanet 178464, Orphanet 34521, MedGen C1863599, MONDO:0011362, OMIM 603689.
Tibial muscular dystrophy (TMD). Also called: UDD MYOPATHY; Tibial muscular dystrophy, tardive; Udd Distal Myopathy – Tibial Muscular Dystrophy. Identifiers: Orphanet 609, MedGen C1838244, MONDO:0010870, OMIM 600334.
Early-onset myopathy with fatal cardiomyopathy (CMYO5). Also called: CONGENITAL MYOPATHY 5 WITH CARDIOMYOPATHY; Salih Myopathy. Identifiers: Orphanet 289377, MedGen C2673677, MONDO:0012714, OMIM 611705. Disease mechanism: loss of function.

Allele frequency attached by ClinVar (database versions not stated): ESP Exome Variant Server 0.00008; gnomAD 0.00012 and 0.00013; TOPMed 0.00015; ExAC 0.00024.
gnomAD v4.1: 218 of 1,613,978 alleles (0.014%); highest among the groups gnomAD compares: Admixed American, 0.023%; no homozygotes.

Submissions (14):

Labcorp Genetics (formerly Invitae), Labcorp
Classification: Likely benign for Dilated cardiomyopathy 1G; Autosomal recessive limb-girdle muscular dystrophy type 2J. Last evaluated: 2026-01-31. Review status: criteria provided, single submitter. Criteria: Invitae Variant Classification Sherloc (09022015). Collection method: clinical testing. Allele origin: germline.

Women's Health and Genetics/Laboratory Corporation of America, LabCorp
Classification: Likely benign. Last evaluated: 2025-07-09. Review status: criteria provided, single submitter. Criteria: LabCorp Variant Classification Summary - May 2015. Collection method: clinical testing. Allele origin: germline.
Comment: Variant summary: TTN c.5198C>T (p.Thr1733Met) results in a non-conservative amino acid change in the encoded protein sequence. Algorithms developed to predict the effect of missense changes on protein structure and function are either unavailable or do not agree on the potential impact of this missense change. The variant allele was found at a frequency of 0.00014 in 1613978 control chromosomes, predominantly at a frequency of 0.0046 within the Ashkenazi-Jewish subpopulation in the gnomAD database. The observed variant frequency within Ashkenazi-Jewish control individuals in the gnomAD database is approximately 11.77 fold of the estimated maximal expected allele frequency for a pathogenic variant in TTN causing Dilated Cardiomyopathy phenotype (0.00039). To our knowledge, no occurrence of c.5198C>T in individuals affected with TTN-related conditions and no experimental evidence demonstrating its impact on protein function have been reported. The following publication has been ascertained in the context of this evaluation (PMID: 29540445). ClinVar contains an entry for this variant (Variation ID: 166316). Based on the evidence outlined above, the variant was classified as likely benign.

Blueprint Genetics
Classification: Likely benign. Last evaluated: 2024-10-14. Review status: criteria provided, single submitter. Criteria: ACMG Guidelines, 2015. Collection method: clinical testing. Allele origin: germline.

Revvity Omics, Revvity
Classification: Uncertain significance. Last evaluated: 2024-02-05. Review status: criteria provided, single submitter. Criteria: ACMG Guidelines, 2015. Collection method: clinical testing. Allele origin: germline.

CeGaT Center for Human Genetics Tuebingen
Classification: Uncertain significance. Last evaluated: 2023-12-01. Review status: criteria provided, single submitter. Criteria: CeGaT Center For Human Genetics Tuebingen Variant Classification Criteria Version 2. Collection method: clinical testing. Allele origin: germline. Affected: yes. Observed: 3 variant alleles.

Ambry Genetics
Classification: Likely benign for Cardiovascular phenotype. Last evaluated: 2019-06-26. Review status: criteria provided, single submitter. Criteria: Ambry Autosomal Dominant and X-Linked criteria (3/2017). Collection method: clinical testing. Allele origin: germline. Observed: 1 variant allele.
Comment: Other data supporting benign classification;Subpopulation frequency in support of benign classification

Eurofins Ntd Llc (ga)
Classification: Likely benign. Last evaluated: 2018-01-22. Review status: criteria provided, single submitter. Criteria: EGL Classification Definitions 2015. Collection method: clinical testing. Allele origin: germline. Observed: 1 variant allele, 1 heterozygote.

Illumina Laboratory Services, Illumina
Classification: Uncertain significance for Early-onset myopathy with fatal cardiomyopathy. Last evaluated: 2018-01-12. Review status: criteria provided, single submitter. Criteria: ICSL Variant Classification Criteria 13 December 2019. Collection method: clinical testing. Allele origin: germline.

Illumina Laboratory Services, Illumina
Classification: Uncertain significance for Autosomal recessive limb-girdle muscular dystrophy type 2J. Last evaluated: 2018-01-12. Review status: criteria provided, single submitter. Criteria: ICSL Variant Classification Criteria 13 December 2019. Collection method: clinical testing. Allele origin: germline.

Illumina Laboratory Services, Illumina
Classification: Likely benign for Tibial muscular dystrophy. Last evaluated: 2018-01-12. Review status: criteria provided, single submitter. Criteria: ICSL Variant Classification Criteria 13 December 2019. Collection method: clinical testing. Allele origin: germline.
Comment: This variant was observed in the ICSL laboratory as part of a predisposition screen in an ostensibly healthy population. It had not been previously curated by ICSL or reported in the Human Gene Mutation Database (HGMD: prior to June 1st, 2018), and was therefore a candidate for classification through an automated scoring system. Utilizing variant allele frequency, disease prevalence and penetrance estimates, and inheritance mode, an automated score was calculated to assess if this variant is too frequent to cause the disease. Based on the score and internal cut-off values, a variant classified as likely benign is not then subjected to further curation. The score for this variant resulted in a classification of likely benign for this disease.

Illumina Laboratory Services, Illumina
Classification: Uncertain significance for Dilated cardiomyopathy 1G. Last evaluated: 2018-01-12. Review status: criteria provided, single submitter. Criteria: ICSL Variant Classification Criteria 13 December 2019. Collection method: clinical testing. Allele origin: germline.

Illumina Laboratory Services, Illumina
Classification: Likely benign for Myopathy, myofibrillar, 9, with early respiratory failure. Last evaluated: 2018-01-12. Review status: criteria provided, single submitter. Criteria: ICSL Variant Classification Criteria 13 December 2019. Collection method: clinical testing. Allele origin: germline.
Comment: the same text as in the submission from Illumina Laboratory Services, Illumina above.

Laboratory for Molecular Medicine, Mass General Brigham Personalized Medicine
Classification: Uncertain significance. Last evaluated: 2014-09-25. Review status: criteria provided, single submitter. Criteria: LMM Criteria. Collection method: clinical testing. Allele origin: germline. Observed: 1 variant allele.
Comment: The Thr1733Met variant in TTN gene has not been previously reported in individua ls with cardiomyopathy, but has been identified in 1/8600 European American chro mosomes by the NHLBI Exome Sequencing Project (dbSNP rs367700246). Computational prediction tools and conservation analysis s uggest that this variant may impact the protein, though this information is not predictive enough to determine pathogenicity. In summary, the clinical significa nce of the Thr1733Met variant is uncertain.

PreventionGenetics, part of Exact Sciences
Classification: Likely benign for TTN-related condition. Last evaluated: 2024-08-18. Review status: no assertion criteria provided. Collection method: clinical testing. Allele origin: germline. Not counted in ClinVar's aggregate classification.
Comment: This variant is classified as likely benign based on ACMG/AMP sequence variant interpretation guidelines (Richards et al. 2015 PMID: 25741868, with internal and published modifications).

Literature cited by the submitters: PubMed 29540445 (cited by Women's Health and Genetics/Laboratory Corporation of America, LabCorp and Ambry Genetics).

NM_001267550.2(TTN):c.5198C>T (p.Thr1733Met)

Gene: TTN (titin; minus strand). Cytogenetic location: 2q31.2.
Variant type: single nucleotide variant.
Coding change: c.5198C>T on transcript NM_001267550.2 (MANE Select); coding-DNA position 5198, C replaced by T.
Protein change: p.Thr1733Met; replaces threonine 1733 with methionine.
Molecular consequence: missense variant.
Genome position (GRCh38, 1-based): chr2:178,776,666, G>A on the plus strand (C>T on the coding strand, the complement: TTN is on the minus strand). VCF-style: chr2-178776666-G-A. GRCh37 (hg19) VCF-style: chr2-179641393-G-A.
Other names: c.5198C>T, p.Thr1733Met (NM_001256850.1, NM_133379.5, NM_133378.4); c.5060C>T, p.Thr1687Met (NM_003319.4, NM_133432.3, NM_133437.4); short protein forms T1733M, T1687M.
Identifiers: ClinVar variation 166316 (VCV000166316.57), dbSNP rs367700246, ClinGen allele CA179307.